The following is an entry in ClinVar:

NM_001283009.2(RTEL1):c.3718G>C (p.Ala1240Pro)

Genes: RTEL1 (regulator of telomere elongation helicase 1; plus strand), RTEL1-TNFRSF6B (RTEL1-TNFRSF6B readthrough (NMD candidate); plus strand). Cytogenetic location: 20q13.33.
Variant type: single nucleotide variant.
Coding change: c.3718G>C on transcript NM_001283009.2 (MANE Select); coding-DNA position 3718, G replaced by C.
Protein change: p.Ala1240Pro; replaces alanine 1240 with proline.
Molecular consequence: missense variant. On other transcripts: non-coding transcript variant (1), intron variant (3).
Genome position (GRCh38, 1-based): chr20:63,695,546, G>C. VCF-style: chr20-63695546-G-C. GRCh37 (hg19) VCF-style: chr20-62326899-G-C.
Other names: c.2983+66G>C (NM_001283010.1); c.3724+66G>C (NM_032957.5); c.3652+66G>C (NM_016434.4); short protein forms A1240P.
Identifiers: ClinVar variation 2199554 (VCV002199554.4), dbSNP rs758703069, ClinGen allele CA9966170.

ClinVar aggregate classification (germline): Uncertain significance. Review status: criteria provided, multiple submitters, no conflicts (2 of 4 stars). 2 submissions from 2 submitters: Uncertain significance (2). Last evaluated 2025-10-26.

Conditions:
Inborn genetic diseases. Identifiers: MedGen C0950123, MeSH D030342.
Pulmonary fibrosis and/or bone marrow failure, Telomere-related, 3. Also called: PULMONARY FIBROSIS AND/OR BONE MARROW FAILURE SYNDROME, TELOMERE-RELATED, 3. Identifiers: Orphanet 2032, MedGen C4225346, MONDO:0014613, OMIM 616373.
Dyskeratosis congenita, autosomal recessive 5 (DKCB5). Identifiers: MedGen C3554656, MONDO:0014076, OMIM 615190.

Allele frequency attached by ClinVar (database versions not stated): ExAC 0.00002; TOPMed below 0.00001; gnomAD exomes 0.00001.
gnomAD v4.1: 8 of 1,612,386 alleles (0.0005%); highest among the groups gnomAD compares: Middle Eastern, 0.017%; no homozygotes.

Submissions (2):

Labcorp Genetics (formerly Invitae), Labcorp
Classification: Uncertain significance for Dyskeratosis congenita, autosomal recessive 5; Pulmonary fibrosis and/or bone marrow failure, Telomere-related, 3. Last evaluated: 2025-10-26. Review status: criteria provided, single submitter. Criteria: Invitae Variant Classification Sherloc (09022015). Collection method: clinical testing. Allele origin: germline.
Comment: This sequence change replaces alanine, which is neutral and non-polar, with proline, which is neutral and non-polar, at codon 1240 of the RTEL1 protein (p.Ala1240Pro). This variant is present in population databases (rs758703069, gnomAD 0.04%). This variant has not been reported in the literature in individuals affected with RTEL1-related conditions. ClinVar contains an entry for this variant (Variation ID: 2199554). An algorithm developed to predict the effect of missense changes on protein structure and function (PolyPhen-2) suggests that this variant is likely to be tolerated. Algorithms developed to predict the effect of sequence changes on RNA splicing suggest that this variant may create or strengthen a splice site. In summary, the available evidence is currently insufficient to determine the role of this variant in disease. Therefore, it has been classified as a Variant of Uncertain Significance.

Ambry Genetics
Classification: Uncertain significance for Inborn genetic diseases. Last evaluated: 2025-01-08. Review status: criteria provided, single submitter. Criteria: Ambry Variant Classification Scheme 2023. Collection method: clinical testing. Allele origin: germline.
Comment: The p.A1240P variant (also known as c.3718G>C), located in coding exon 33 of the RTEL1 gene, results from a G to C substitution at nucleotide position 3718. The alanine at codon 1240 is replaced by proline, an amino acid with highly similar properties. This amino acid position is conserved. In addition, this alteration is predicted to be tolerated by in silico analysis. Based on the available evidence, the clinical significance of this variant remains unclear.